The following is an entry in ClinVar:

NM_025144.4(ALPK1):c.68T>G (p.Leu23Trp)

Gene: ALPK1 (alpha kinase 1; plus strand). Cytogenetic location: 4q25.
Variant type: single nucleotide variant.
Coding change: c.68T>G on transcript NM_025144.4 (MANE Select); coding-DNA position 68, T replaced by G.
Protein change: p.Leu23Trp; replaces leucine 23 with tryptophan.
Molecular consequence: missense variant. On other transcripts: 5 prime UTR variant (1).
Genome position (GRCh38, 1-based): chr4:112,377,845, T>G. VCF-style: chr4-112377845-T-G. GRCh37 (hg19) VCF-style: chr4-113299001-T-G.
Other names: c.68T>G, p.Leu23Trp (NM_001102406.2); c.-12T>G (NM_001253884.2); short protein forms L23W.
Identifiers: ClinVar variation 2176416 (VCV002176416.4), dbSNP rs779112711, ClinGen allele CA3046238.

ClinVar aggregate classification (germline): Uncertain significance (1 of 4 stars; one submission).

Allele frequency attached by ClinVar (database versions not stated): ExAC 0.00001; TOPMed 0.00004; gnomAD 0.00006; gnomAD exomes 0.00008.
gnomAD v4.1: 128 of 1,613,554 alleles (0.0079%); highest among the groups gnomAD compares: Non-Finnish European, 0.011%; no homozygotes.

Submission:

Labcorp Genetics (formerly Invitae), Labcorp
Classification: Uncertain significance. Last evaluated: 2026-01-21. Review status: criteria provided, single submitter. Criteria: Invitae Variant Classification Sherloc (09022015). Collection method: clinical testing. Allele origin: germline.
Comment: This sequence change replaces leucine, which is neutral and non-polar, with tryptophan, which is neutral and slightly polar, at codon 23 of the ALPK1 protein (p.Leu23Trp). This variant is present in population databases (rs779112711, gnomAD 0.005%). This variant has not been reported in the literature in individuals affected with ALPK1-related conditions. ClinVar contains an entry for this variant (Variation ID: 2176416). An algorithm developed to predict the effect of missense changes on protein structure and function (PolyPhen-2) suggests that this variant is likely to be disruptive. In summary, the available evidence is currently insufficient to determine the role of this variant in disease. Therefore, it has been classified as a Variant of Uncertain Significance.